The following is an entry in ClinVar:

ClinVar aggregate classification (germline): Benign. Review status: criteria provided, multiple submitters, no conflicts (2 of 4 stars). 2 submissions from 2 submitters: Benign (2). Last evaluated 2018-01-13.

Conditions:
Progressive myoclonic epilepsy. Also called: Progressive myoclonus epilepsy; Familial progressive myoclonic epilepsy; Myoclonus epilepsy; Myoclonic Epilepsies, Progressive. Identifiers: Orphanet 308, Orphanet 98261, MedGen C0751778, MONDO:0020074.

Allele frequency attached by ClinVar (database versions not stated): TOPMed 0.13954; 1000 Genomes Project 30x 0.15100; gnomAD 0.15467; 1000 Genomes Project 0.15675; gnomAD exomes 0.16667.
gnomAD v4.1: 21,249 of 152,172 alleles (14%); highest among the groups gnomAD compares: East Asian, 35%; 1,886 homozygotes.

Submissions (2):

Illumina Laboratory Services, Illumina
Classification: Benign for Progressive myoclonic epilepsy. Last evaluated: 2018-01-13. Review status: criteria provided, single submitter. Criteria: ICSL Variant Classification Criteria 13 December 2019. Collection method: clinical testing. Allele origin: germline.
Comment: This variant was observed in the ICSL laboratory as part of a predisposition screen in an ostensibly healthy population. It had not been previously curated by ICSL or reported in the Human Gene Mutation Database (HGMD: prior to June 1st, 2018), and was therefore a candidate for classification through an automated scoring system. Utilizing variant allele frequency, disease prevalence and penetrance estimates, and inheritance mode, an automated score was calculated to assess if this variant is too frequent to cause the disease. Based on the score and internal cut-off values, a variant classified as benign is not then subjected to further curation. The score for this variant resulted in a classification of benign for this disease.

Breakthrough Genomics
Classification: Benign. Review status: criteria provided, single submitter. Criteria: ACMG Guidelines, 2015. Collection method: not provided. Allele origin: germline. Inheritance: Unknown mechanism. Affected: yes.

NM_198859.4(PRICKLE2):c.*2891C>T

Genes: PRICKLE2 (prickle planar cell polarity protein 2; minus strand), PRICKLE2-AS1 (PRICKLE2 antisense RNA 1; plus strand). Cytogenetic location: 3p14.1.
Variant type: single nucleotide variant.
Coding change: c.*2891C>T on transcript NM_198859.4 (MANE Select); 2891 bases downstream of the stop codon, C replaced by T.
Molecular consequence: 3 prime UTR variant.
Genome position (GRCh38, 1-based): chr3:64,096,160, G>A on the plus strand (C>T on the coding strand, the complement: PRICKLE2 is on the minus strand). VCF-style: chr3-64096160-G-A. GRCh37 (hg19) VCF-style: chr3-64081836-G-A.
Other names: c.*2891C>T (NM_001370528.1).
Identifiers: ClinVar variation 346434 (VCV000346434.6), dbSNP rs34723451, ClinGen allele CA10617266.